The following is an entry in ClinVar:

ClinVar aggregate classification (germline): Uncertain significance (1 of 4 stars; one submission).

Submission:

Ambry Genetics
Classification: Uncertain significance. Last evaluated: 2022-10-03. Review status: criteria provided, single submitter. Criteria: Ambry Variant Classification Scheme 2023. Collection method: clinical testing. Allele origin: germline.
Comment: The p.A160E variant (also known as c.479C>A), located in coding exon 1 of the EGLN1 gene, results from a C to A substitution at nucleotide position 479. The alanine at codon 160 is replaced by glutamic acid, an amino acid with dissimilar properties. This amino acid position is conserved. In addition, this alteration is predicted to be tolerated by in silico analysis. Since supporting evidence is limited at this time, the clinical significance of this alteration remains unclear.

NM_022051.3(EGLN1):c.479C>A (p.Ala160Glu)

Gene: EGLN1 (egl-9 family hypoxia inducible factor 1; minus strand). Cytogenetic location: 1q42.2.
Variant type: single nucleotide variant.
Coding change: c.479C>A on transcript NM_022051.3 (MANE Select); coding-DNA position 479, C replaced by A.
Protein change: p.Ala160Glu; replaces alanine 160 with glutamic acid.
Molecular consequence: missense variant.
Genome position (GRCh38, 1-based): chr1:231,421,410, G>T on the plus strand (C>A on the coding strand, the complement: EGLN1 is on the minus strand). VCF-style: chr1-231421410-G-T. GRCh37 (hg19) VCF-style: chr1-231557156-G-T.
Other names: c.479C>A, p.Ala160Glu (NM_001377260.1, NM_001377261.1); short protein forms A160E.
Identifiers: ClinVar variation 1743153 (VCV001743153.2), dbSNP rs897854071, ClinGen allele CA345236824.